The following is an entry in ClinVar:

ClinVar aggregate classification (germline): Benign (1 of 4 stars; one submission).

Allele frequency attached by ClinVar (database versions not stated): gnomAD exomes 0.28633; gnomAD 0.30694 and 0.31005; TOPMed 0.33140; 1000 Genomes Project 0.35583; 1000 Genomes Project 30x 0.36009.
gnomAD v4.1: 309,313 of 1,065,856 alleles (29%); highest among the groups gnomAD compares: Admixed American, 44%; 47,520 homozygotes.

Submission:

GeneDx
Classification: Benign. Last evaluated: 2018-06-14. Review status: criteria provided, single submitter. Criteria: GeneDx Variant Classification (06012015). Collection method: clinical testing. Allele origin: germline. Affected: yes.
Comment: This variant is considered likely benign or benign based on one or more of the following criteria: it is a conservative change, it occurs at a poorly conserved position in the protein, it is predicted to be benign by multiple in silico algorithms, and/or has population frequency not consistent with disease.

NM_182961.4(SYNE1):c.25459-121C>T

Gene: SYNE1 (spectrin repeat containing nuclear envelope protein 1; minus strand). Cytogenetic location: 6q25.2.
Variant type: single nucleotide variant.
Coding change: c.25459-121C>T on transcript NM_182961.4 (MANE Select); 121 bases into the intron before coding-DNA position 25459, C replaced by T.
Molecular consequence: intron variant.
Genome position (GRCh38, 1-based): chr6:152,136,939, G>A on the plus strand (C>T on the coding strand, the complement: SYNE1 is on the minus strand). VCF-style: chr6-152136939-G-A. GRCh37 (hg19) VCF-style: chr6-152458074-G-A.
Other names: c.25315-121C>T (NM_033071.5); c.2065-121C>T (NM_001347701.2); c.1993-121C>T (NM_001347702.2).
Identifiers: ClinVar variation 670219 (VCV000670219.1), dbSNP rs2813566, ClinGen allele CA12282154.